The following is an entry in ClinVar:

NM_000158.4(GBE1):c.1999del (p.Thr667fs)

Gene: GBE1 (1,4-alpha-glucan branching enzyme 1; minus strand). Cytogenetic location: 3p12.2.
Variant type: Deletion.
Coding change: c.1999del on transcript NM_000158.4 (MANE Select); coding-DNA position 1999, one base deleted (A; older notation c.1999delA).
Protein change: p.Thr667fs; shifts the reading frame from threonine 667.
Molecular consequence: frameshift variant.
Genome position (GRCh38, 1-based): chr3:81,499,163, T deleted on the plus strand (A on the coding strand, the reverse complement: GBE1 is on the minus strand). VCF-style (leftmost placement, unchanged base first): chr3-81499162-GT-G. GRCh37 (hg19) VCF-style: chr3-81548313-GT-G.
Other names: short protein forms T667fs.
Identifiers: ClinVar variation 4817837 (VCV004817837.1).

ClinVar aggregate classification (germline): Likely pathogenic (1 of 4 stars; one submission).

Conditions:
Glycogen storage disease, type IV (GSD4). Also called: AMYLOPECTINOSIS; ANDERSEN DISEASE; BRANCHER DEFICIENCY; CIRRHOSIS, FAMILIAL, WITH DEPOSITION OF ABNORMAL GLYCOGEN; GBE1 DEFICIENCY; GLYCOGEN BRANCHING ENZYME DEFICIENCY. Identifiers: Orphanet 367, MedGen C0017923, MONDO:0009292, OMIM 232500.

Submission:

Natera, Inc.
Classification: Likely pathogenic for Glycogen storage disease type IV. Last evaluated: 2024-09-17. Review status: criteria provided, single submitter. Criteria: Natera Variant Classification Schema (03/2026). Collection method: clinical testing. Allele origin: germline.
Comment: The c.1999del variant in GBE1 is a frameshift variant predicted to elongate the protein beyond the termination codon. This variant may result in a truncated or dysfunctional protein product. This variant is rare in the general population with a frequency below the threshold expected for the associated phenotype(s). This variant has been observed in one or more individuals affected with the associated recessive disease, as either homozygous or compound heterozygous with a second variant (PMID: 20058079). Given the available evidence, this variant is classified as Likely Pathogenic.

Literature cited by the submitters: PubMed 20058079.